The following is an entry in ClinVar:

ClinVar aggregate classification (germline): Likely pathogenic (1 of 4 stars; one submission).

Conditions:
Acromesomelic dysplasia 1, Maroteaux type (AMD1). Also called: ST. HELENA DYSPLASIA; ACROMESOMELIC DYSPLASIA 1. Identifiers: Orphanet 40, MedGen C1864356, MONDO:0011275, OMIM 602875.
Tall stature-scoliosis-macrodactyly of the great toes syndrome. Also called: Epiphyseal chondrodysplasia, miura type. Identifiers: Orphanet 329191, MedGen C4014690, MONDO:0014401, OMIM 615923.

gnomAD v4.1: 3 of 1,613,158 alleles (0.00019%); highest among the groups gnomAD compares: Non-Finnish European, 0.00025%; no homozygotes.

Submission:

Labcorp Genetics (formerly Invitae), Labcorp
Classification: Likely pathogenic for Tall stature-scoliosis-macrodactyly of the great toes syndrome; Acromesomelic dysplasia 1, Maroteaux type. Last evaluated: 2023-04-21. Review status: criteria provided, single submitter. Criteria: Invitae Variant Classification Sherloc (09022015). Collection method: clinical testing. Allele origin: germline.
Comment: This variant is not present in population databases (gnomAD no frequency). In summary, the currently available evidence indicates that the variant is pathogenic, but additional data are needed to prove that conclusively. Therefore, this variant has been classified as Likely Pathogenic. Algorithms developed to predict the effect of sequence changes on RNA splicing suggest that this variant may disrupt the consensus splice site. This variant has not been reported in the literature in individuals affected with NPR2-related conditions. This sequence change affects a donor splice site in intron 4 of the NPR2 gene. It is expected to disrupt RNA splicing. Variants that disrupt the donor or acceptor splice site typically lead to a loss of protein function (PMID: 16199547), and loss-of-function variants in NPR2 are known to be pathogenic (PMID: 15146390, 15572448, 16384845).

Literature cited by the submitters: PubMed 16199547; PubMed 15146390; PubMed 15572448; PubMed 16384845.

NM_003995.4(NPR2):c.1123+1G>C

Gene: NPR2 (natriuretic peptide receptor 2; plus strand). Cytogenetic location: 9p13.3.
Variant type: single nucleotide variant.
Coding change: c.1123+1G>C on transcript NM_003995.4 (MANE Select); the canonical splice donor site of the intron after coding-DNA position 1123, G replaced by C.
Molecular consequence: splice donor variant.
Genome position (GRCh38, 1-based): chr9:35,800,158, G>C. VCF-style: chr9-35800158-G-C. GRCh37 (hg19) VCF-style: chr9-35800155-G-C.
Other names: c.1123+1G>C (NM_001378923.1).
Identifiers: ClinVar variation 2941267 (VCV002941267.3), dbSNP rs2491044026, ClinGen allele CA373370388.